The following is an entry in ClinVar:

NM_024675.4(PALB2):c.2667T>A (p.Thr889=)

Gene: PALB2 (partner and localizer of BRCA2; minus strand). Cytogenetic location: 16p12.2.
Variant type: single nucleotide variant.
Coding change: c.2667T>A on transcript NM_024675.4 (MANE Select); coding-DNA position 2667, T replaced by A.
Protein change: p.Thr889=; no amino-acid change (threonine 889 retained).
Molecular consequence: synonymous variant.
Genome position (GRCh38, 1-based): chr16:23,626,317, A>T on the plus strand (T>A on the coding strand, the complement: PALB2 is on the minus strand). VCF-style: chr16-23626317-A-T. GRCh37 (hg19) VCF-style: chr16-23637638-A-T.
Identifiers: ClinVar variation 231558 (VCV000231558.12), dbSNP rs876659224, ClinGen allele CA10579957.

ClinVar aggregate classification (germline): Conflicting classifications of pathogenicity. Review status: criteria provided, conflicting classifications (1 of 4 stars). 4 submissions from 4 submitters: Uncertain significance (1); Benign (1); Likely benign (2). Last evaluated 2025-01-17.

Conditions:
Hereditary cancer-predisposing syndrome. Also called: Hereditary Cancer Syndrome; Neoplastic Syndromes, Hereditary; Tumor predisposition; Hereditary neoplastic syndrome. Identifiers: Orphanet 140162, MedGen C0027672, MeSH D009386, MONDO:0015356.
Familial cancer of breast. Also called: Hereditary breast cancer; hereditary breast carcinoma; BREAST CANCER, FAMILIAL. Identifiers: Orphanet 227535, MedGen C0346153, MONDO:0016419, OMIM 114480. Disease mechanism: loss of function.
Fanconi anemia complementation group N. Also called: PALB2-Related Fanconi Anemia. Identifiers: Orphanet 84, MedGen C1835817, MONDO:0012565, OMIM 610832. Disease mechanism: loss of function.

Submissions (4):

Myriad Genetics, Inc.
Classification: Benign for Familial cancer of breast. Last evaluated: 2025-01-17. Review status: criteria provided, single submitter. Criteria: Myriad Autosomal Dominant, Autosomal Recessive and X-Linked Classification Criteria (2023). Collection method: clinical testing. Allele origin: unknown.
Comment: This variant is considered benign. This variant is a silent/synonymous amino acid change and it is not expected to impact splicing.

Labcorp Genetics (formerly Invitae), Labcorp
Classification: Likely benign for Familial cancer of breast. Last evaluated: 2024-02-08. Review status: criteria provided, single submitter. Criteria: Invitae Variant Classification Sherloc (09022015). Collection method: clinical testing. Allele origin: germline.

Illumina Laboratory Services, Illumina
Classification: Uncertain significance for Fanconi anemia complementation group N. Last evaluated: 2017-04-27. Review status: criteria provided, single submitter. Criteria: ICSL Variant Classification Criteria 13 December 2019. Collection method: clinical testing. Allele origin: germline.
Comment: This variant was observed as part of a predisposition screen in an ostensibly healthy population. A literature search was performed for the gene, cDNA change, and amino acid change (where applicable). Publications were found based on this search. However, the evidence from the literature, in combination with allele frequency data from public databases where available, was not sufficient to rule this variant in or out of causing disease. Therefore, this variant is classified as a variant of unknown significance.

Ambry Genetics
Classification: Likely benign for Hereditary cancer-predisposing syndrome. Last evaluated: 2015-04-24. Review status: criteria provided, single submitter. Criteria: Ambry Variant Classification Scheme 2023. Collection method: clinical testing. Allele origin: germline.

Literature cited by the submitters: PubMed 26990772 (cited by Illumina Laboratory Services, Illumina).